The following is an entry in ClinVar:

NM_000082.4(ERCC8):c.187_191delinsTTT (p.Gly63fs)

Gene: ERCC8 (ERCC excision repair 8, CSA ubiquitin ligase complex subunit; minus strand). Cytogenetic location: 5q12.1.
Variant type: Indel.
Coding change: c.187_191delinsTTT on transcript NM_000082.4 (MANE Select); coding-DNA positions 187 to 191, GGTTC replaced by TTT.
Protein change: p.Gly63fs; shifts the reading frame from glycine 63.
Molecular consequence: frameshift variant. On other transcripts: 5 prime UTR variant (1).
Genome position (GRCh38, 1-based): chr5:60,922,138-60,922,142, GAACC replaced by AAA on the plus strand (GGTTC replaced by TTT on the coding strand, the reverse complement: ERCC8 is on the minus strand). VCF-style: chr5-60922138-GAACC-AAA. GRCh37 (hg19) VCF-style: chr5-60217965-GAACC-AAA.
Other names: c.13_17delinsTTT, p.Gly5fs (NM_001007233.3); c.187_191delinsTTT, p.Gly63fs (NM_001007234.3); c.-191_-187delinsTTT (NM_001290285.2); short protein forms G5fs, G63fs.
Identifiers: ClinVar variation 5012465 (VCV005012465.1).

ClinVar aggregate classification (germline): Pathogenic (1 of 4 stars; one submission).

Conditions:
Cockayne syndrome type 1. Also called: Cockayne syndrome type I; Cockayne syndrome classical; Cockayne syndrome classic form. Identifiers: Orphanet 191, Orphanet 90321, MedGen C0751039, MONDO:0019569, OMIM 216400.

Submission:

Myriad Genetics, Inc.
Classification: Pathogenic for Cockayne syndrome type 1. Last evaluated: 2023-11-05. Review status: criteria provided, single submitter. Criteria: Myriad Autosomal Dominant, Autosomal Recessive and X-Linked Classification Criteria (2023). Collection method: clinical testing. Allele origin: unknown.
Comment: NM_000082.3(ERCC8):c.187_191del5ins3(G63Ffs*9) is expected to be pathogenic in the context of ERCC8-related disorders. This variant is predicted to lead to an abnormal or absent protein product due to the creation of a premature termination codon in ERCC8, a gene where loss-of-function variants are known to be pathogenic. Please note: this variant was assessed in the context of healthy population screening.